The following is an entry in ClinVar:

ClinVar aggregate classification (germline): Conflicting classifications of pathogenicity. Review status: criteria provided, conflicting classifications (1 of 4 stars). 4 submissions from 4 submitters: Likely pathogenic (2); Uncertain significance (1). 1 of the submissions does not count toward it. Last evaluated 2025-12-19.

Conditions:
RPGRIP1L-related disorder. Also called: RPGRIP1L-related disorders; RPGRIP1L-related condition. Identifiers: MedGen CN239416.
Meckel-Gruber syndrome. Also called: DYSENCEPHALIA SPLANCHNOCYSTICA; GRUBER SYNDROME; Dysencephalia splachnocystica. Identifiers: Orphanet 564, MedGen C0265215, MONDO:0018921.
Joubert syndrome. Also called: Familial aplasia of the vermis; JOUBERT-BOLTSHAUSER SYNDROME. Identifiers: Orphanet 475, MedGen C5979921, MONDO:0018772.

Submissions (4):

PreventionGenetics, part of Exact Sciences
Classification: Uncertain significance for RPGRIP1L-related condition. Last evaluated: 2025-12-19. Review status: criteria provided, single submitter. Criteria: ACMG Guidelines, 2015. Collection method: clinical testing. Allele origin: germline.
Comment: The RPGRIP1L c.1104-2A>G variant is predicted to disrupt the AG splice acceptor site and interfere with normal splicing. To our knowledge, this variant has not been reported in the literature or in a large population database (gnomAD), indicating this variant is rare. Variants that disrupt the consensus splice acceptor site in RPGRIP1L are expected to be pathogenic; however, there is a cryptic AG site 9bp downstream of the reference AG acceptor site. If used, it would result in an in-frame deletion of 3 amino acid residues (p.369_371PheSerAladel). Although we suspect this variant is pathogenic, at this time, the clinical significance of this variant is uncertain due to the absence of conclusive functional and genetic evidence.

Labcorp Genetics (formerly Invitae), Labcorp
Classification: Likely pathogenic for Joubert syndrome; Meckel-Gruber syndrome. Last evaluated: 2023-03-07. Review status: criteria provided, single submitter. Criteria: Invitae Variant Classification Sherloc (09022015). Collection method: clinical testing. Allele origin: germline.
Comment: This sequence change affects an acceptor splice site in intron 9 of the RPGRIP1L gene. It is expected to disrupt RNA splicing. Variants that disrupt the donor or acceptor splice site typically lead to a loss of protein function (PMID: 16199547), and loss-of-function variants in RPGRIP1L are known to be pathogenic (PMID: 17558409). This variant is not present in population databases (gnomAD no frequency). This variant has not been reported in the literature in individuals affected with RPGRIP1L-related conditions. ClinVar contains an entry for this variant (Variation ID: 1983612). Algorithms developed to predict the effect of sequence changes on RNA splicing suggest that this variant may disrupt the consensus splice site. In summary, the currently available evidence indicates that the variant is pathogenic, but additional data are needed to prove that conclusively. Therefore, this variant has been classified as Likely Pathogenic.

Blueprint Genetics
Classification: Likely pathogenic for RPGRIP1L-related disorders. Last evaluated: 2022-04-22. Review status: criteria provided, single submitter. Criteria: ACMG Guidelines, 2015. Collection method: clinical testing. Allele origin: germline. Affected: yes. Observed: 1 variant allele.

Genetic Services Laboratory, University of Chicago
Classification: Likely pathogenic. Last evaluated: 2022-05-23. Review status: no assertion criteria provided. Collection method: clinical testing. Allele origin: germline. Affected: yes. Not counted in ClinVar's aggregate classification.
Comment: DNA sequence analysis of the RPGRIP1L gene demonstrated a sequence change in the canonical splice acceptor site of intron 9, c.1104-2A>G. This likely pathogenic sequence change is predicted to affect normal splicing of the RPGRIP1L gene and result in an abnormal protein. This sequence change is absent from the gnomAD population database. While this variant has not been previously described in the literature, other splice site variants both upstream and downstream have been previously described in individuals with RPGRIP1L-related disorders (PMID: 27434533, 17558407, 26092869). Collectively these evidences indicate that the c.1104-2A>G variant is likely pathogenic, however functional studies have not been performed to prove this conclusively.

Literature cited by the submitters: PubMed 16199547 (cited by Labcorp Genetics (formerly Invitae), Labcorp); PubMed 17558409 (cited by Labcorp Genetics (formerly Invitae), Labcorp).

NM_015272.5(RPGRIP1L):c.1104-2A>G

Gene: RPGRIP1L (RPGRIP1 like; minus strand). Cytogenetic location: 16q12.2.
Variant type: single nucleotide variant.
Coding change: c.1104-2A>G on transcript NM_015272.5 (MANE Select); the canonical splice acceptor site of the intron before coding-DNA position 1104, A replaced by G.
Molecular consequence: splice acceptor variant.
Genome position (GRCh38, 1-based): chr16:53,665,011, T>C on the plus strand (A>G on the coding strand, the complement: RPGRIP1L is on the minus strand). VCF-style: chr16-53665011-T-C. GRCh37 (hg19) VCF-style: chr16-53698923-T-C.
Other names: c.1104-2A>G (NM_001330538.2, NM_001308334.3, NM_001127897.4).
Identifiers: ClinVar variation 1983612 (VCV001983612.8), dbSNP rs2544401345, ClinGen allele CA395921767.